The following is an entry in ClinVar:

NM_177972.3(TUB):c.394A>G (p.Lys132Glu)

Genes: RIC3 (RIC3 acetylcholine receptor chaperone; minus strand), TUB (TUB bipartite transcription factor; plus strand). Cytogenetic location: 11p15.4.
Variant type: single nucleotide variant.
Coding change: c.394A>G on transcript NM_177972.3 (MANE Select); coding-DNA position 394, A replaced by G.
Protein change: p.Lys132Glu; replaces lysine 132 with glutamic acid.
Molecular consequence: missense variant.
Genome position (GRCh38, 1-based): chr11:8,094,186, A>G. VCF-style: chr11-8094186-A-G. GRCh37 (hg19) VCF-style: chr11-8115733-A-G.
Other names: c.559A>G, p.Lys187Glu (NM_003320.5); c.559A>G (NM_003320.4); short protein forms K187E, K132E.
Identifiers: ClinVar variation 1509237 (VCV001509237.7), dbSNP rs1281715868, ClinGen allele CA379565099.
Genomic context (GRCh38, chr11:8,094,186, plus strand): 5'-GCGGCAGCTACAGCAGGGGGCCAGGGTGGCGCCGCTAGGAAGGAGAAGAAGGGAAAGCAC[A>G]AAGGTCAGCTCACATTCTCTACAGCCCTCCCCAGCAGGCCTGGCCTCCACTGTAGGGCTG-3'
Protein context (NP_813977.1, residues 122-142): AARKEKKGKH[Lys132Glu]GTSGPAALAE

ClinVar aggregate classification (germline): Uncertain significance. Review status: criteria provided, multiple submitters, no conflicts (2 of 4 stars). 2 submissions from 2 submitters: Uncertain significance (2). Last evaluated 2025-07-31.

Allele frequency attached by ClinVar (database versions not stated): TOPMed 0.00002.
gnomAD v4.1: 3 of 1,611,748 alleles (0.00019%); no homozygotes.

Submissions (2):

Labcorp Genetics (formerly Invitae), Labcorp
Classification: Uncertain significance. Last evaluated: 2025-07-31. Review status: criteria provided, single submitter. Criteria: Invitae Variant Classification Sherloc (09022015). Collection method: clinical testing. Allele origin: germline.
Comment: This sequence change replaces lysine, which is basic and polar, with glutamic acid, which is acidic and polar, at codon 187 of the TUB protein (p.Lys187Glu). This variant is not present in population databases (gnomAD no frequency). This variant has not been reported in the literature in individuals affected with TUB-related conditions. ClinVar contains an entry for this variant (Variation ID: 1509237). An algorithm developed to predict the effect of missense changes on protein structure and function (PolyPhen-2) suggests that this variant is likely to be disruptive. In summary, the available evidence is currently insufficient to determine the role of this variant in disease. Therefore, it has been classified as a Variant of Uncertain Significance.

Ambry Genetics
Classification: Uncertain significance. Last evaluated: 2025-05-07. Review status: criteria provided, single submitter. Criteria: Ambry Variant Classification Scheme 2023. Collection method: clinical testing. Allele origin: germline.